The following is an entry in ClinVar:

NM_017763.6(RNF43):c.1216G>C (p.Ala406Pro)

Gene: RNF43 (ring finger protein 43; minus strand). Cytogenetic location: 17q22.
Variant type: single nucleotide variant.
Coding change: c.1216G>C on transcript NM_017763.6 (MANE Select); coding-DNA position 1216, G replaced by C.
Protein change: p.Ala406Pro; replaces alanine 406 with proline.
Molecular consequence: missense variant.
Genome position (GRCh38, 1-based): chr17:58,358,560, C>G on the plus strand (G>C on the coding strand, the complement: RNF43 is on the minus strand). VCF-style: chr17-58358560-C-G. GRCh37 (hg19) VCF-style: chr17-56435921-C-G.
Other names: c.1216G>C, p.Ala406Pro (NM_001305544.3); c.835G>C, p.Ala279Pro (NM_001305545.2); short protein forms A279P, A406P.
Identifiers: ClinVar variation 1400253 (VCV001400253.10), dbSNP rs2143419707, ClinGen allele CA400330877.

ClinVar aggregate classification (germline): Uncertain significance. Review status: criteria provided, multiple submitters, no conflicts (2 of 4 stars). 3 submissions from 3 submitters: Uncertain significance (3). Last evaluated 2026-09-01.

gnomAD v4.1: 1 of 1,607,458 alleles (0.000062%); highest among the groups gnomAD compares: Non-Finnish European, 0.000085%; no homozygotes.

Submissions (3):

CeGaT Center for Human Genetics Tuebingen
Classification: Uncertain significance. Last evaluated: 2026-09-01. Review status: criteria provided, single submitter. Criteria: CeGaT Center For Human Genetics Tuebingen Variant Classification Criteria Version 2. Collection method: clinical testing. Allele origin: germline. Affected: yes. Observed: 1 variant allele.
Comment: RNF43: PM2, BP4

Ambry Genetics
Classification: Uncertain significance. Last evaluated: 2025-03-06. Review status: criteria provided, single submitter. Criteria: Ambry Variant Classification Scheme 2023. Collection method: clinical testing. Allele origin: germline.
Comment: The p.A406P variant (also known as c.1216G>C), located in coding exon 8 of the RNF43 gene, results from a G to C substitution at nucleotide position 1216. The alanine at codon 406 is replaced by proline, an amino acid with highly similar properties. This amino acid position is conserved. In addition, this alteration is predicted to be tolerated by in silico analysis. Based on the available evidence, the clinical significance of this variant remains unclear.

Labcorp Genetics (formerly Invitae), Labcorp
Classification: Uncertain significance. Last evaluated: 2021-01-01. Review status: criteria provided, single submitter. Criteria: Invitae Variant Classification Sherloc (09022015). Collection method: clinical testing. Allele origin: germline.
Comment: In summary, the available evidence is currently insufficient to determine the role of this variant in disease. Therefore, it has been classified as a Variant of Uncertain Significance. Algorithms developed to predict the effect of missense changes on protein structure and function output the following: SIFT: "Tolerated"; PolyPhen-2: "Benign"; Align-GVGD: "Class C0". The proline amino acid residue is found in multiple mammalian species, suggesting that this missense change does not adversely affect protein function. These predictions have not been confirmed by published functional studies and their clinical significance is uncertain. This variant has not been reported in the literature in individuals with RNF43-related conditions. This variant is not present in population databases (ExAC no frequency). This sequence change replaces alanine with proline at codon 406 of the RNF43 protein (p.Ala406Pro). The alanine residue is moderately conserved and there is a small physicochemical difference between alanine and proline.